The following is an entry in ClinVar:

NM_000543.5(SMPD1):c.1191C>T (p.Asn397=)

Gene: SMPD1 (sphingomyelin phosphodiesterase 1; plus strand). Cytogenetic location: 11p15.4.
Variant type: single nucleotide variant.
Coding change: c.1191C>T on transcript NM_000543.5 (MANE Select); coding-DNA position 1191, C replaced by T.
Protein change: p.Asn397=; no amino-acid change (asparagine 397 retained).
Molecular consequence: synonymous variant. On other transcripts: non-coding transcript variant (1), intron variant (1).
Genome position (GRCh38, 1-based): chr11:6,393,315, C>T. VCF-style: chr11-6393315-C-T. GRCh37 (hg19) VCF-style: chr11-6414545-C-T.
Other names: c.1191C>T (NM_000543.4); c.1188C>T, p.Asn396= (NM_001007593.3); c.1191C>T, p.Asn397= (NM_001318087.2); c.270C>T, p.Asn90= (NM_001318088.2); c.1132-302C>T (NM_001365135.2).
Identifiers: ClinVar variation 500758 (VCV000500758.13), dbSNP rs766418804, ClinGen allele CA5852804.

ClinVar aggregate classification (germline): Conflicting classifications of pathogenicity. Review status: criteria provided, conflicting classifications (1 of 4 stars). 3 submissions from 3 submitters: Uncertain significance (1); Likely benign (2). Last evaluated 2025-07-24.

Conditions:
SMPD1-related disorder. Also called: SMPD1-related condition.
Niemann-Pick disease, type A. Also called: Infantile Neurovisceral ASMD (Niemann-Pick Disease Type A; NPD-A); SPHINGOMYELIN LIPIDOSIS; SPHINGOMYELINASE DEFICIENCY. Identifiers: Orphanet 77292, MedGen C0268242, MONDO:0009756, OMIM 257200. Disease mechanism: loss of function.
Niemann-Pick disease, type B. Also called: Chronic Visceral ASMD (Niemann-Pick Disease Type B; NPD-B). Identifiers: Orphanet 77293, MedGen C0268243, MONDO:0011871, OMIM 607616. Disease mechanism: loss of function.

Allele frequency attached by ClinVar (database versions not stated): gnomAD exomes below 0.00001; ExAC 0.00001.
gnomAD v4.1: 1 of 1,614,046 alleles (0.000062%); highest among the groups gnomAD compares: Non-Finnish European, 0.000085%; no homozygotes.

Submissions (3):

PreventionGenetics, part of Exact Sciences
Classification: Likely benign for SMPD1-related condition. Last evaluated: 2025-07-24. Review status: criteria provided, single submitter. Criteria: ACMG Guidelines, 2015. Collection method: clinical testing. Allele origin: germline.
Comment: This variant is classified as likely benign based on ACMG/AMP sequence variant interpretation guidelines (Richards et al. 2015 PMID: 25741868, with internal and published modifications).

Labcorp Genetics (formerly Invitae), Labcorp
Classification: Likely benign for Niemann-Pick disease, type B; Niemann-Pick disease, type A. Last evaluated: 2023-12-20. Review status: criteria provided, single submitter. Criteria: Invitae Variant Classification Sherloc (09022015). Collection method: clinical testing. Allele origin: germline.

Eurofins Ntd Llc (ga)
Classification: Uncertain significance. Last evaluated: 2017-03-08. Review status: criteria provided, single submitter. Criteria: EGL Classification Definitions 2015. Collection method: clinical testing. Allele origin: germline. Observed: 1 variant allele, 1 heterozygote.